The following is an entry in ClinVar:

ClinVar aggregate classification (germline): Uncertain significance (1 of 4 stars; one submission).

Conditions:
Fanconi anemia complementation group J. Also called: BRIP1-Related Fanconi Anemia. Identifiers: Orphanet 84, MedGen C1836860, MONDO:0012187, OMIM 609054.
Familial cancer of breast. Also called: BREAST CANCER, FAMILIAL; Hereditary breast cancer; hereditary breast carcinoma. Identifiers: Orphanet 227535, MedGen C0346153, MONDO:0016419, OMIM 114480. Disease mechanism: loss of function.

Submission:

Labcorp Genetics (formerly Invitae), Labcorp
Classification: Uncertain significance for Familial cancer of breast; Fanconi anemia complementation group J. Last evaluated: 2025-02-25. Review status: criteria provided, single submitter. Criteria: Invitae Variant Classification Sherloc (09022015). Collection method: clinical testing. Allele origin: germline.
Comment: This sequence change replaces leucine, which is neutral and non-polar, with phenylalanine, which is neutral and non-polar, at codon 922 of the BRIP1 protein (p.Leu922Phe). This variant is not present in population databases (gnomAD no frequency). This variant has not been reported in the literature in individuals affected with BRIP1-related conditions. Invitae Evidence Modeling of protein sequence and biophysical properties (such as structural, functional, and spatial information, amino acid conservation, physicochemical variation, residue mobility, and thermodynamic stability) indicates that this missense variant is not expected to disrupt BRIP1 protein function with a negative predictive value of 95%. In summary, the available evidence is currently insufficient to determine the role of this variant in disease. Therefore, it has been classified as a Variant of Uncertain Significance.

NM_032043.3(BRIP1):c.2766A>C (p.Leu922Phe)

Gene: BRIP1 (BRCA1 interacting DNA helicase 1; minus strand). Cytogenetic location: 17q23.2.
Variant type: single nucleotide variant.
Coding change: c.2766A>C on transcript NM_032043.3 (MANE Select); coding-DNA position 2766, A replaced by C.
Protein change: p.Leu922Phe; replaces leucine 922 with phenylalanine.
Molecular consequence: missense variant.
Genome position (GRCh38, 1-based): chr17:61,685,975, T>G on the plus strand (A>C on the coding strand, the complement: BRIP1 is on the minus strand). VCF-style: chr17-61685975-T-G. GRCh37 (hg19) VCF-style: chr17-59763336-T-G.
Other names: short protein forms L922F.
Identifiers: ClinVar variation 3751390 (VCV003751390.2).
Genomic context (GRCh38, chr17:61,685,975, plus strand): 5'-ACATATCTTTGCTTCATCTTCCACAAAATTTTCTGGTGATAGATGACTTGCTGCTTCCAG[T>G]AAATAAGGTGAGGTACTGTACTTTAAAGAGGTCACTTCAAGTGTAGACTCATTGTCCTGT-3'
Protein context (NP_114432.2, residues 912-932): TSLKYSTSPY[Leu922Phe]LEAASHLSPE